The following is an entry in ClinVar:

ClinVar aggregate classification (germline): Benign/Likely benign. Review status: criteria provided, multiple submitters, no conflicts (2 of 4 stars). 4 submissions from 4 submitters: Benign (3); Likely benign (1). Last evaluated 2026-01-31.

Conditions:
Microcephaly 1, primary, autosomal recessive (MCPH1). Also called: PREMATURE CHROMOSOME CONDENSATION SYNDROME; PCC SYNDROME; PREMATURE CHROMOSOME CONDENSATION WITH MICROCEPHALY AND MENTAL RETARDATION. Identifiers: Orphanet 2512, MedGen C1855081, MONDO:0009617, OMIM 251200.

Allele frequency attached by ClinVar (database versions not stated): gnomAD exomes 0.00183; ExAC 0.00223; gnomAD 0.00702 and 0.00748; ESP Exome Variant Server 0.00725; TOPMed 0.00781; 1000 Genomes Project 0.00799; 1000 Genomes Project 30x 0.00921.
gnomAD v4.1: 2,143 of 1,612,774 alleles (0.13%); highest among the groups gnomAD compares: African/African-American, 2.5%; 33 homozygotes.

Submissions (4):

Labcorp Genetics (formerly Invitae), Labcorp
Classification: Benign. Last evaluated: 2026-01-31. Review status: criteria provided, single submitter. Criteria: Invitae Variant Classification Sherloc (09022015). Collection method: clinical testing. Allele origin: germline.

Illumina Laboratory Services, Illumina
Classification: Likely benign for Microcephaly 1, primary, autosomal recessive. Last evaluated: 2018-01-13. Review status: criteria provided, single submitter. Criteria: ICSL Variant Classification Criteria 13 December 2019. Collection method: clinical testing. Allele origin: germline.
Comment: This variant was observed in the ICSL laboratory as part of a predisposition screen in an ostensibly healthy population. It had not been previously curated by ICSL or reported in the Human Gene Mutation Database (HGMD: prior to June 1st, 2018), and was therefore a candidate for classification through an automated scoring system. Utilizing variant allele frequency, disease prevalence and penetrance estimates, and inheritance mode, an automated score was calculated to assess if this variant is too frequent to cause the disease. Based on the score and internal cut-off values, a variant classified as likely benign is not then subjected to further curation. The score for this variant resulted in a classification of likely benign for this disease.

GeneDx
Classification: Benign. Last evaluated: 2015-03-03. Review status: criteria provided, single submitter. Criteria: GeneDx Variant Classification Process June 2021. Collection method: clinical testing. Allele origin: germline. Affected: yes.

Genetic Services Laboratory, University of Chicago
Classification: Benign. Last evaluated: 2013-02-08. Review status: criteria provided, single submitter. Criteria: ACMG Guidelines, 2007. Collection method: clinical testing. Allele origin: germline. Inheritance: Autosomal recessive inheritance.

NM_024596.5(MCPH1):c.2453-13G>A

Genes: MCPH1 (microcephalin 1; plus strand), MCPH1-AS1 (MCPH1 antisense RNA 1; minus strand). Cytogenetic location: 8p23.1.
Variant type: single nucleotide variant.
Coding change: c.2453-13G>A on transcript NM_024596.5 (MANE Select); 13 bases into the intron before coding-DNA position 2453, G replaced by A.
Molecular consequence: intron variant.
Genome position (GRCh38, 1-based): chr8:6,642,981, G>A. VCF-style: chr8-6642981-G-A. GRCh37 (hg19) VCF-style: chr8-6500502-G-A.
Other names: c.2595-13G>A (NM_001322042.2); c.2174-13G>A (NM_001363980.2).
Identifiers: ClinVar variation 158861 (VCV000158861.19), dbSNP rs111713406, ClinGen allele CA172534.